The following is an entry in ClinVar:

NM_001378454.1(ALMS1):c.10833del (p.Gln3611fs)

Gene: ALMS1 (ALMS1 centrosome and basal body associated protein; plus strand). Cytogenetic location: 2p13.1.
Variant type: Deletion.
Coding change: c.10833del on transcript NM_001378454.1 (MANE Select); coding-DNA position 10833, one base deleted (A; older notation c.10833delA).
Protein change: p.Gln3611fs; shifts the reading frame from glutamine 3611.
Molecular consequence: frameshift variant.
Genome position (GRCh38, 1-based): chr2:73,572,710, A deleted; the last of 2 consecutive A bases (chr2:73,572,709-73,572,710); deleting either gives the same sequence. VCF-style (leftmost placement, unchanged base first): chr2-73572708-CA-C. GRCh37 (hg19) VCF-style: chr2-73799835-CA-C.
Other names: c.10836del, p.Gln3612fs (NM_015120.4); short protein forms Q3611fs, Q3612fs.
Identifiers: ClinVar variation 2861876 (VCV002861876.3), dbSNP rs2466444822, ClinGen allele CA2739271096.

ClinVar aggregate classification (germline): Pathogenic (1 of 4 stars; one submission).

Conditions:
Alstrom syndrome (ALMS). Identifiers: Orphanet 64, MedGen C0268425, MONDO:0008763, OMIM 203800.

Submission:

Labcorp Genetics (formerly Invitae), Labcorp
Classification: Pathogenic for Alstrom syndrome. Last evaluated: 2023-05-03. Review status: criteria provided, single submitter. Criteria: Invitae Variant Classification Sherloc (09022015). Collection method: clinical testing. Allele origin: germline.
Comment: For these reasons, this variant has been classified as Pathogenic. This variant has not been reported in the literature in individuals affected with ALMS1-related conditions. This variant is not present in population databases (gnomAD no frequency). This sequence change creates a premature translational stop signal (p.Gln3612Hisfs*50) in the ALMS1 gene. It is expected to result in an absent or disrupted protein product. Loss-of-function variants in ALMS1 are known to be pathogenic (PMID: 17594715).

Literature cited by the submitters: PubMed 17594715.